The following is an entry in ClinVar:

NM_001037333.3(CYFIP2):c.1170C>T (p.Phe390=)

Gene: CYFIP2 (cytoplasmic FMR1 interacting protein 2; plus strand). Cytogenetic location: 5q33.3.
Variant type: single nucleotide variant.
Coding change: c.1170C>T on transcript NM_001037333.3 (MANE Select); coding-DNA position 1170, C replaced by T.
Protein change: p.Phe390=; no amino-acid change (phenylalanine 390 retained).
Molecular consequence: synonymous variant.
Genome position (GRCh38, 1-based): chr5:157,314,403, C>T. VCF-style: chr5-157314403-C-T. GRCh37 (hg19) VCF-style: chr5-156741411-C-T.
Other names: c.1092C>T, p.Phe364= (NM_001291721.2); c.1170C>T, p.Phe390= (NM_001291722.2, NM_014376.4).
Identifiers: ClinVar variation 1166202 (VCV001166202.34), dbSNP rs139943836, ClinGen allele CA3533557.

ClinVar aggregate classification (germline): Benign/Likely benign. Review status: criteria provided, multiple submitters, no conflicts (2 of 4 stars). 3 submissions from 3 submitters: Benign (1); Likely benign (2). Last evaluated 2026-08-01.

Allele frequency attached by ClinVar (database versions not stated): 1000 Genomes Project 30x 0.00078; 1000 Genomes Project 0.00080; gnomAD 0.00165 and 0.00166; TOPMed 0.00177; ExAC 0.00187; gnomAD exomes 0.00189 and 0.00199; ESP Exome Variant Server 0.00225.
gnomAD v4.1: 3,168 of 1,613,872 alleles (0.2%); highest among the groups gnomAD compares: Middle Eastern, 0.81%; 8 homozygotes.

Submissions (3):

CeGaT Center for Human Genetics Tuebingen
Classification: Likely benign. Last evaluated: 2026-08-01. Review status: criteria provided, single submitter. Criteria: CeGaT Center For Human Genetics Tuebingen Variant Classification Criteria Version 2. Collection method: clinical testing. Allele origin: germline. Affected: yes. Observed: 16 variant alleles.
Comment: CYFIP2: BP4, BP7

Labcorp Genetics (formerly Invitae), Labcorp
Classification: Benign. Last evaluated: 2026-02-03. Review status: criteria provided, single submitter. Criteria: Invitae Variant Classification Sherloc (09022015). Collection method: clinical testing. Allele origin: germline.

Blueprint Genetics
Classification: Likely benign. Last evaluated: 2024-11-14. Review status: criteria provided, single submitter. Criteria: ACMG Guidelines, 2015. Collection method: clinical testing. Allele origin: germline.